The following is an entry in ClinVar:

NM_002834.5(PTPN11):c.184_185delinsAT (p.Tyr62Ile)

Gene: PTPN11 (protein tyrosine phosphatase non-receptor type 11; plus strand). Cytogenetic location: 12q24.13.
Variant type: Indel.
Coding change: c.184_185delinsAT on transcript NM_002834.5 (MANE Select); coding-DNA positions 184 to 185, TA replaced by AT.
Protein change: p.Tyr62Ile; replaces tyrosine 62 with isoleucine.
Molecular consequence: missense variant.
Genome position (GRCh38, 1-based): chr12:112,450,364-112,450,365, TA replaced by AT. VCF-style: chr12-112450364-TA-AT. GRCh37 (hg19) VCF-style: chr12-112888168-TA-AT.
Other names: c.184_185delinsAT, p.Tyr62Ile (NM_001330437.2, NM_080601.3); c.181_182delinsAT, p.Tyr61Ile (NM_001374625.1); short protein forms Y62I, Y61I.
Identifiers: ClinVar variation 2814413 (VCV002814413.3), dbSNP rs2540415687, ClinGen allele CA2739277320.
Genomic context (GRCh38, chr12:112,450,364, plus strand): 5'-ATGGACTATTTTAGAAGAAATGGAGCTGTCACCCACATCAAGATTCAGAACACTGGTGAT[TA>AT]CTATGACCTGTATGGAGGGGAGAAATTTGCCACTTTGGCTGAGTTGGTCCAGTATTACAT-3'
Protein context (NP_002825.3, residues 52-72): THIKIQNTGD[Tyr62Ile]YDLYGGEKFA

ClinVar aggregate classification (germline): Uncertain significance (1 of 4 stars; one submission).

Conditions:
RASopathy. Also called: rasopathies; Noonan spectrum disorder. Identifiers: Orphanet 536391, MedGen C5555857, MONDO:0021060.

Submission:

Labcorp Genetics (formerly Invitae), Labcorp
Classification: Uncertain significance for RASopathy. Last evaluated: 2023-01-17. Review status: criteria provided, single submitter. Criteria: Invitae Variant Classification Sherloc (09022015). Collection method: clinical testing. Allele origin: germline.
Comment: This variant has not been reported in the literature in individuals affected with PTPN11-related conditions. This sequence change replaces tyrosine, which is neutral and polar, with isoleucine, which is neutral and non-polar, at codon 62 of the PTPN11 protein (p.Tyr62Ile). Information on the frequency of this variant in the gnomAD database is not available, as this variant may be reported differently in the database. Algorithms developed to predict the effect of missense changes on protein structure and function are either unavailable or do not agree on the potential impact of this missense change (SIFT: "Not Available"; PolyPhen-2: "Benign"; Align-GVGD: "Not Available"). This variant disrupts the p.Tyr62 amino acid residue in PTPN11. Other variant(s) that disrupt this residue have been determined to be pathogenic (PMID: 11992261, 12325025, 15240615, 16358218, 17020470, 19020799, 19352411, 26817465). This suggests that this residue is clinically significant, and that variants that disrupt this residue are likely to be disease-causing. In summary, the available evidence is currently insufficient to determine the role of this variant in disease. Therefore, it has been classified as a Variant of Uncertain Significance.

Literature cited by the submitters: PubMed 11992261; PubMed 12325025; PubMed 15240615; PubMed 16358218; PubMed 17020470; PubMed 19020799; PubMed 19352411; PubMed 26817465.